The following is an entry in ClinVar:

NM_004364.5(CEBPA):c.186C>G (p.Ile62Met)

Gene: CEBPA (CCAAT enhancer binding protein alpha; minus strand). Cytogenetic location: 19q13.11.
Variant type: single nucleotide variant.
Coding change: c.186C>G on transcript NM_004364.5 (MANE Select); coding-DNA position 186, C replaced by G.
Protein change: p.Ile62Met; replaces isoleucine 62 with methionine.
Molecular consequence: missense variant. On other transcripts: 5 prime UTR variant (1).
Genome position (GRCh38, 1-based): chr19:33,302,229, G>C on the plus strand (C>G on the coding strand, the complement: CEBPA is on the minus strand). VCF-style: chr19-33302229-G-C. GRCh37 (hg19) VCF-style: chr19-33793135-G-C.
Other names: c.-172C>G (NM_001285829.2); c.291C>G, p.Ile97Met (NM_001287424.2); c.144C>G, p.Ile48Met (NM_001287435.2); short protein forms I48M, I62M, I97M.
Identifiers: ClinVar variation 856948 (VCV000856948.10), dbSNP rs1967195162, ClinGen allele CA405275498.
Genomic context (GRCh38, chr19:33,302,229, plus strand): 5'-GAACAGGTCGGCCAGGAACTCGTCGTTGAAGGCGGCCGGGTCGATGTAGGCGCTGATGTC[G>C]ATGGACGTCTCGTGCTCGCAGATGCCGCCCAGCGGCTCCGGGGCGGCAGGTGGGGCGGGA-3'
Protein context (NP_004355.2, residues 52-72): LGGICEHETS[Ile62Met]DISAYIDPAA

ClinVar aggregate classification (germline): Uncertain significance (1 of 4 stars; one submission).

Conditions:
Acute myeloid leukemia (AML). Also called: Acute myeloid leukemia, adult; AML adult; Acute non-lymphocytic leukemia; Acute granulocytic leukemia; Leukemia, acute myeloid, somatic; Leukemia, acute myelogenous, somatic. Identifiers: Orphanet 519, MedGen C0023467, MeSH D015470, MONDO:0018874, OMIM 601626, HP:0004808. Disease mechanism: Constitutively activated FLT3.

Submission:

Labcorp Genetics (formerly Invitae), Labcorp
Classification: Uncertain significance for Acute myeloid leukemia. Last evaluated: 2019-03-20. Review status: criteria provided, single submitter. Criteria: Invitae Variant Classification Sherloc (09022015). Collection method: clinical testing. Allele origin: germline.
Comment: In summary, the available evidence is currently insufficient to determine the role of this variant in disease. Therefore, it has been classified as a Variant of Uncertain Significance. Algorithms developed to predict the effect of missense changes on protein structure and function are either unavailable or do not agree on the potential impact of this missense change (SIFT: "Deleterious"; PolyPhen-2: "Probably Damaging"; Align-GVGD: "Class C0"). This variant has not been reported in the literature in individuals with CEBPA-related conditions. The frequency data for this variant in the population databases is considered unreliable, as metrics indicate insufficient coverage at this position in the ExAC database. This sequence change replaces isoleucine with methionine at codon 62 of the CEBPA protein (p.Ile62Met). The isoleucine residue is moderately conserved and there is a small physicochemical difference between isoleucine and methionine.